The following is an entry in ClinVar:

NM_001982.4(ERBB3):c.1663G>C (p.Glu555Gln)

Gene: ERBB3 (erb-b2 receptor tyrosine kinase 3; plus strand). Cytogenetic location: 12q13.2.
Variant type: single nucleotide variant.
Coding change: c.1663G>C on transcript NM_001982.4 (MANE Select); coding-DNA position 1663, G replaced by C.
Protein change: p.Glu555Gln; replaces glutamic acid 555 with glutamine.
Molecular consequence: missense variant.
Genome position (GRCh38, 1-based): chr12:56,094,148, G>C. VCF-style: chr12-56094148-G-C. GRCh37 (hg19) VCF-style: chr12-56487932-G-C.
Other names: p.Glu555Gln; short protein forms E555Q.
Identifiers: ClinVar variation 2683204 (VCV002683204.1), dbSNP rs998051593, ClinGen allele CA237622694.

ClinVar aggregate classification (germline): Uncertain significance (1 of 4 stars; one submission).

Allele frequency attached by ClinVar (database versions not stated): gnomAD exomes below 0.00001; TOPMed below 0.00001.
gnomAD v4.1: 5 of 1,614,134 alleles (0.00031%); highest among the groups gnomAD compares: Non-Finnish European, 0.00042%; no homozygotes.

Submission:

Mayo Clinic Laboratories, Mayo Clinic
Classification: Uncertain significance. Last evaluated: 2022-10-27. Review status: criteria provided, single submitter. Criteria: ACMG Guidelines, 2015. Collection method: clinical testing. Allele origin: germline. Observed: 1 variant allele.
Comment: BP4, PM2